The following is an entry in ClinVar:

NM_000179.3(MSH6):c.1985T>G (p.Met662Arg)

Gene: MSH6 (mutS homolog 6; plus strand). Cytogenetic location: 2p16.3.
Variant type: single nucleotide variant.
Coding change: c.1985T>G on transcript NM_000179.3 (MANE Select); coding-DNA position 1985, T replaced by G.
Protein change: p.Met662Arg; replaces methionine 662 with arginine.
Molecular consequence: missense variant.
Genome position (GRCh38, 1-based): chr2:47,799,968, T>G. VCF-style: chr2-47799968-T-G. GRCh37 (hg19) VCF-style: chr2-48027107-T-G.
Other names: c.1595T>G, p.Met532Arg (NM_001281492.2); c.1079T>G, p.Met360Arg (NM_001281493.2, NM_001281494.2, NM_001406811.1 and 6 more transcripts); c.2081T>G, p.Met694Arg (NM_001406795.1, NM_001406802.1); c.1985T>G, p.Met662Arg (NM_001406796.1, NM_001406798.1, NM_001406800.1 and 3 more transcripts); c.1688T>G, p.Met563Arg (NM_001406797.1, NM_001406801.1, NM_001406805.1 and 10 more transcripts); c.1460T>G, p.Met487Arg (NM_001406799.1, NM_001406806.1, NM_001406807.1); c.1907T>G, p.Met636Arg (NM_001406804.1); c.1991T>G, p.Met664Arg (NM_001406813.1); and 1 more; short protein forms M360R, M487R, M532R, M563R, M606R, M636R, M662R, M664R.
Identifiers: ClinVar variation 1713432 (VCV001713432.9), dbSNP rs1553413349, ClinGen allele CA346750635.

ClinVar aggregate classification (germline): Uncertain significance. Review status: criteria provided, multiple submitters, no conflicts (2 of 4 stars). 2 submissions from 2 submitters: Uncertain significance (2). Last evaluated 2025-10-30.

Conditions:
Hereditary nonpolyposis colorectal neoplasms. Identifiers: MedGen C0009405, MeSH D003123.
Hereditary cancer-predisposing syndrome. Also called: Neoplastic Syndromes, Hereditary; Tumor predisposition; Hereditary Cancer Syndrome; Hereditary neoplastic syndrome. Identifiers: Orphanet 140162, MedGen C0027672, MeSH D009386, MONDO:0015356.

Submissions (2):

Ambry Genetics
Classification: Uncertain significance for Hereditary cancer-predisposing syndrome. Last evaluated: 2025-10-30. Review status: criteria provided, single submitter. Criteria: Ambry Variant Classification Scheme 2023. Collection method: clinical testing. Allele origin: germline.
Comment: The p.M662R variant (also known as c.1985T>G), located in coding exon 4 of the MSH6 gene, results from a T to G substitution at nucleotide position 1985. The methionine at codon 662 is replaced by arginine, an amino acid with similar properties. This amino acid position is well conserved in available vertebrate species. In addition, this alteration is predicted to be deleterious by in silico analysis. Based on the available evidence, the clinical significance of this variant remains unclear.

Labcorp Genetics (formerly Invitae), Labcorp
Classification: Uncertain significance for Hereditary nonpolyposis colorectal neoplasms. Last evaluated: 2023-12-20. Review status: criteria provided, single submitter. Criteria: Invitae Variant Classification Sherloc (09022015). Collection method: clinical testing. Allele origin: germline.
Comment: This sequence change replaces methionine, which is neutral and non-polar, with arginine, which is basic and polar, at codon 662 of the MSH6 protein (p.Met662Arg). This variant is not present in population databases (gnomAD no frequency). This variant has not been reported in the literature in individuals affected with MSH6-related conditions. ClinVar contains an entry for this variant (Variation ID: 1713432). Advanced modeling of protein sequence and biophysical properties (such as structural, functional, and spatial information, amino acid conservation, physicochemical variation, residue mobility, and thermodynamic stability) performed at Invitae indicates that this missense variant is not expected to disrupt MSH6 protein function with a negative predictive value of 95%. In summary, the available evidence is currently insufficient to determine the role of this variant in disease. Therefore, it has been classified as a Variant of Uncertain Significance.